The following is an entry in ClinVar:

NM_001848.3(COL6A1):c.1989G>A (p.Val663=)

Gene: COL6A1 (collagen type VI alpha 1 chain; plus strand). Cytogenetic location: 21q22.3.
Variant type: single nucleotide variant.
Coding change: c.1989G>A on transcript NM_001848.3 (MANE Select); coding-DNA position 1989, G replaced by A.
Protein change: p.Val663=; no amino-acid change (valine 663 retained).
Molecular consequence: synonymous variant.
Genome position (GRCh38, 1-based): chr21:46,001,993, G>A. VCF-style: chr21-46001993-G-A. GRCh37 (hg19) VCF-style: chr21-47421907-G-A.
Identifiers: ClinVar variation 1150170 (VCV001150170.33), dbSNP rs760624194, ClinGen allele CA10070714.

ClinVar aggregate classification (germline): Likely benign. Review status: criteria provided, multiple submitters, no conflicts (2 of 4 stars). 2 submissions from 2 submitters: Likely benign (2). Last evaluated 2024-05-02.

Conditions:
Bethlem myopathy 1A. Also called: Bethlem myopathy 1; Bethlem Muscular Dystrophy; MYOPATHY, BENIGN CONGENITAL, WITH CONTRACTURES. Identifiers: Orphanet 610, MedGen CN029274, MONDO:0024530, OMIM 158810.

Allele frequency attached by ClinVar (database versions not stated): gnomAD exomes below 0.00001 and 0.00001; ExAC 0.00001.
gnomAD v4.1: 5 of 1,612,662 alleles (0.00031%); highest among the groups gnomAD compares: Middle Eastern, 0.016%; no homozygotes.

Submissions (2):

Labcorp Genetics (formerly Invitae), Labcorp
Classification: Likely benign for Bethlem myopathy 1A. Last evaluated: 2024-05-02. Review status: criteria provided, single submitter. Criteria: Invitae Variant Classification Sherloc (09022015). Collection method: clinical testing. Allele origin: germline.

CeGaT Center for Human Genetics Tuebingen
Classification: Likely benign. Last evaluated: 2022-06-01. Review status: criteria provided, single submitter. Criteria: CeGaT Center For Human Genetics Tuebingen Variant Classification Criteria Version 2. Collection method: clinical testing. Allele origin: germline. Affected: yes. Observed: 1 variant allele.
Comment: COL6A1: BP4, BP7